The following is an entry in ClinVar:

ClinVar aggregate classification (germline): Likely benign (1 of 4 stars; one submission).

Allele frequency attached by ClinVar (database versions not stated): gnomAD exomes below 0.00001; gnomAD 0.00001; TOPMed 0.00001.
gnomAD v4.1: 7 of 1,613,974 alleles (0.00043%); highest among the groups gnomAD compares: South Asian, 0.0011%; no homozygotes.

Submission:

CeGaT Center for Human Genetics Tuebingen
Classification: Likely benign. Last evaluated: 2023-04-01. Review status: criteria provided, single submitter. Criteria: CeGaT Center For Human Genetics Tuebingen Variant Classification Criteria Version 2. Collection method: clinical testing. Allele origin: germline. Affected: yes. Observed: 1 variant allele.
Comment: CACNG2: BP4, BP7

NM_006078.5(CACNG2):c.483C>T (p.Ala161=)

Gene: CACNG2 (calcium voltage-gated channel auxiliary subunit gamma 2; minus strand). Cytogenetic location: 22q12.3.
Variant type: single nucleotide variant.
Coding change: c.483C>T on transcript NM_006078.5 (MANE Select); coding-DNA position 483, C replaced by T.
Protein change: p.Ala161=; no amino-acid change (alanine 161 retained).
Molecular consequence: synonymous variant. On other transcripts: non-coding transcript variant (1).
Genome position (GRCh38, 1-based): chr22:36,564,840, G>A on the plus strand (C>T on the coding strand, the complement: CACNG2 is on the minus strand). VCF-style: chr22-36564840-G-A. GRCh37 (hg19) VCF-style: chr22-36960887-G-A.
Other names: c.414C>T, p.Ala138= (NM_001379051.1).
Identifiers: ClinVar variation 2653108 (VCV002653108.24), dbSNP rs944342384, ClinGen allele CA323997860.